The following is an entry in ClinVar:

ClinVar aggregate classification (germline): Uncertain significance. Review status: criteria provided, multiple submitters, no conflicts (2 of 4 stars). 2 submissions from 2 submitters: Uncertain significance (2). Last evaluated 2023-12-09.

Allele frequency attached by ClinVar (database versions not stated): TOPMed below 0.00001; gnomAD 0.00001; ExAC 0.00004.
gnomAD v4.1: 31 of 1,613,194 alleles (0.0019%); highest among the groups gnomAD compares: South Asian, 0.019%; no homozygotes.

Submissions (2):

Labcorp Genetics (formerly Invitae), Labcorp
Classification: Uncertain significance. Last evaluated: 2023-12-09. Review status: criteria provided, single submitter. Criteria: Invitae Variant Classification Sherloc (09022015). Collection method: clinical testing. Allele origin: germline.
Comment: This sequence change replaces glycine, which is neutral and non-polar, with serine, which is neutral and polar, at codon 87 of the COQ9 protein (p.Gly87Ser). This variant is present in population databases (rs763626877, gnomAD 0.02%). This variant has not been reported in the literature in individuals affected with COQ9-related conditions. ClinVar contains an entry for this variant (Variation ID: 1952735). An algorithm developed to predict the effect of missense changes on protein structure and function (PolyPhen-2) suggests that this variant is likely to be disruptive. In summary, the available evidence is currently insufficient to determine the role of this variant in disease. Therefore, it has been classified as a Variant of Uncertain Significance.

Blueprint Genetics
Classification: Uncertain significance. Last evaluated: 2021-12-09. Review status: criteria provided, single submitter. Criteria: ACMG Guidelines, 2015. Collection method: clinical testing. Allele origin: germline.

NM_020312.4(COQ9):c.259G>A (p.Gly87Ser)

Gene: COQ9 (coenzyme Q9; plus strand). Cytogenetic location: 16q21.
Variant type: single nucleotide variant.
Coding change: c.259G>A on transcript NM_020312.4 (MANE Select); coding-DNA position 259, G replaced by A.
Protein change: p.Gly87Ser; replaces glycine 87 with serine.
Molecular consequence: missense variant.
Genome position (GRCh38, 1-based): chr16:57,452,817, G>A. VCF-style: chr16-57452817-G-A. GRCh37 (hg19) VCF-style: chr16-57486729-G-A.
Other names: short protein forms G87S.
Identifiers: ClinVar variation 1952735 (VCV001952735.6), dbSNP rs763626877, ClinGen allele CA8076137.